The following is an entry in ClinVar:

ClinVar aggregate classification (germline): Uncertain significance (1 of 4 stars; one submission).

Conditions:
Cardiovascular phenotype. Identifiers: MedGen CN230736.

Submission:

Ambry Genetics
Classification: Uncertain significance for Cardiovascular phenotype. Last evaluated: 2025-08-20. Review status: criteria provided, single submitter. Criteria: Ambry Variant Classification Scheme 2023. Collection method: clinical testing. Allele origin: germline.
Comment: The p.C353Y variant (also known as c.1058G>A), located in coding exon 7 of the CBL gene, results from a G to A substitution at nucleotide position 1058. The cysteine at codon 353 is replaced by tyrosine, an amino acid with highly dissimilar properties. This amino acid position is conserved. In addition, this alteration is predicted to be deleterious by in silico analysis. Based on the available evidence, the clinical significance of this variant remains unclear.

NM_005188.4(CBL):c.1058G>A (p.Cys353Tyr)

Gene: CBL (Cbl proto-oncogene; plus strand). Cytogenetic location: 11q23.3.
Variant type: single nucleotide variant.
Coding change: c.1058G>A on transcript NM_005188.4 (MANE Select); coding-DNA position 1058, G replaced by A.
Protein change: p.Cys353Tyr; replaces cysteine 353 with tyrosine.
Molecular consequence: missense variant.
Genome position (GRCh38, 1-based): chr11:119,277,807, G>A. VCF-style: chr11-119277807-G-A. GRCh37 (hg19) VCF-style: chr11-119148517-G-A.
Other names: short protein forms C353Y.
Identifiers: ClinVar variation 4219903 (VCV004219903.1).